The following is an entry in ClinVar:

NM_000228.3(LAMB3):c.2673A>G (p.Leu891=)

Gene: LAMB3 (laminin subunit beta 3; minus strand). Cytogenetic location: 1q32.2.
Variant type: single nucleotide variant.
Coding change: c.2673A>G on transcript NM_000228.3 (MANE Select); coding-DNA position 2673, A replaced by G.
Protein change: p.Leu891=; no amino-acid change (leucine 891 retained).
Molecular consequence: synonymous variant.
Genome position (GRCh38, 1-based): chr1:209,622,564, T>C on the plus strand (A>G on the coding strand, the complement: LAMB3 is on the minus strand). VCF-style: chr1-209622564-T-C. GRCh37 (hg19) VCF-style: chr1-209795909-T-C.
Other names: c.2673A>G, p.Leu891= (NM_001017402.2, NM_001127641.1).
Identifiers: ClinVar variation 255589 (VCV000255589.19), dbSNP rs3179860, ClinGen allele CA1375147.

ClinVar aggregate classification (germline): Benign. Review status: criteria provided, multiple submitters, no conflicts (2 of 4 stars). 9 submissions from 7 submitters: Benign (9). Last evaluated 2026-02-04.

Conditions:
Amelogenesis imperfecta type 1A. Also called: AMELOGENESIS IMPERFECTA, HYPOPLASTIC TYPE IA; Amelogenesis imperfecta local hypoplastic; Amelogenesis imperfecta, hypoplastic type; Amelogenesis imperfecta, type IA. Identifiers: Orphanet 88661, MedGen C4011403, MONDO:0007094, OMIM 104530.
Junctional epidermolysis bullosa. Identifiers: Orphanet 305, MedGen C0079301, MONDO:0017612.
Junctional epidermolysis bullosa, non-Herlitz type. Also called: Epidermolysis bullosa, junctional, non-herlitz type, somatic mosaic revertant; EPIDERMOLYSIS BULLOSA JUNCTIONALIS, DISENTIS TYPE; EPIDERMOLYSIS BULLOSA JUNCTIONALIS, NON-HERLITZ TYPE; EPIDERMOLYSIS BULLOSA JUNCTIONALIS, PROGRESSIVE; EPIDERMOLYSIS BULLOSA JUNCTIONALIS, SEVERE NONLETHAL; COL17A1-Related Junctional Epidermolysis Bullosa. Identifiers: Orphanet 251393, Orphanet 79402, Orphanet 79405, Orphanet 89840, MedGen C0268374, MONDO:0009180, OMIM 226650.
Junctional epidermolysis bullosa gravis of Herlitz. Also called: EPIDERMOLYSIS BULLOSA JUNCTIONALIS, HERLITZ TYPE; EPIDERMOLYSIS BULLOSA, JUNCTIONAL, HERLITZ-PEARSON TYPE; JEB-HERLITZ TYPE; Herlitz-type junctional epidermolysis bullosa; Epidermolysis Bullosa Letalis; EPIDERMOLYSIS BULLOSA, JUNCTIONAL 1B, SEVERE. Identifiers: Orphanet 79404, MedGen C0079683, MONDO:0009182, OMIM 226700.

Allele frequency attached by ClinVar (database versions not stated): 1000 Genomes Project 30x 0.10025; 1000 Genomes Project 0.10284; TOPMed 0.10929; gnomAD 0.11219 and 0.11449; ESP Exome Variant Server 0.12087; gnomAD exomes 0.12799 and 0.14682; ExAC 0.13256.
gnomAD v4.1: 231,377 of 1,613,810 alleles (14%); highest among the groups gnomAD compares: South Asian, 20%; 17,970 homozygotes.

Submissions (9):

Labcorp Genetics (formerly Invitae), Labcorp
Classification: Benign. Last evaluated: 2026-02-04. Review status: criteria provided, single submitter. Criteria: Invitae Variant Classification Sherloc (09022015). Collection method: clinical testing. Allele origin: germline.

Blueprint Genetics
Classification: Benign. Last evaluated: 2024-11-26. Review status: criteria provided, single submitter. Criteria: ACMG Guidelines, 2015. Collection method: clinical testing. Allele origin: germline.

Genome-Nilou Lab
Classification: Benign for Amelogenesis imperfecta type 1A. Last evaluated: 2021-07-08. Review status: criteria provided, single submitter. Criteria: ACMG Guidelines, 2015. Collection method: clinical testing. Allele origin: germline. Affected: no.

Genome-Nilou Lab
Classification: Benign for Junctional epidermolysis bullosa gravis of Herlitz. Last evaluated: 2021-07-08. Review status: criteria provided, single submitter. Criteria: ACMG Guidelines, 2015. Collection method: clinical testing. Allele origin: germline. Affected: no.

Genome-Nilou Lab
Classification: Benign for Junctional epidermolysis bullosa, non-Herlitz type. Last evaluated: 2021-07-08. Review status: criteria provided, single submitter. Criteria: ACMG Guidelines, 2015. Collection method: clinical testing. Allele origin: germline. Affected: no.

Illumina Laboratory Services, Illumina
Classification: Benign for Junctional epidermolysis bullosa. Last evaluated: 2018-01-12. Review status: criteria provided, single submitter. Criteria: ICSL Variant Classification Criteria 13 December 2019. Collection method: clinical testing. Allele origin: germline.
Comment: This variant was observed in the ICSL laboratory as part of a predisposition screen in an ostensibly healthy population. It had not been previously curated by ICSL or reported in the Human Gene Mutation Database (HGMD: prior to June 1st, 2018), and was therefore a candidate for classification through an automated scoring system. Utilizing variant allele frequency, disease prevalence and penetrance estimates, and inheritance mode, an automated score was calculated to assess if this variant is too frequent to cause the disease. Based on the score and internal cut-off values, a variant classified as benign is not then subjected to further curation. The score for this variant resulted in a classification of benign for this disease.

GeneDx
Classification: Benign. Last evaluated: 2015-05-22. Review status: criteria provided, single submitter. Criteria: GeneDx Variant Classification (06012015). Collection method: clinical testing. Allele origin: germline. Affected: yes.
Comment: This variant is considered likely benign or benign based on one or more of the following criteria: it is a conservative change, it occurs at a poorly conserved position in the protein, it is predicted to be benign by multiple in silico algorithms, and/or has population frequency not consistent with disease.

Breakthrough Genomics
Classification: Benign. Review status: criteria provided, single submitter. Criteria: ACMG Guidelines, 2015. Collection method: not provided. Allele origin: germline. Inheritance: Autosomal recessive inheritance. Affected: yes.

PreventionGenetics, part of Exact Sciences
Classification: Benign. Review status: criteria provided, single submitter. Criteria: ACMG Guidelines, 2015. Collection method: clinical testing. Allele origin: germline.